The following is an entry in ClinVar:

ClinVar aggregate classification (germline): Uncertain significance (1 of 4 stars; one submission).

Conditions:
Inborn genetic diseases. Identifiers: MedGen C0950123, MeSH D030342.

Submission:

Ambry Genetics
Classification: Uncertain significance for Inborn genetic diseases. Last evaluated: 2026-09-09. Review status: criteria provided, single submitter. Criteria: Ambry Variant Classification Scheme 2023. Collection method: clinical testing. Allele origin: germline.
Comment: The c.24_32delTCCCCGCCC (p.P9_P11del) alteration is located in exon 2 (coding exon 1) of the SEMA6B gene. This alteration consists of an in-frame deletion of 9 nucleotides between nucleotide positions c.24 and c.32, resulting in the deletion of 3 residues. This variant was not reported in population-based cohorts in the Genome Aggregation Database (gnomAD). These amino acid positions are well conserved in available vertebrate species. Based on insufficient or conflicting evidence, the clinical significance of this alteration remains unclear.

NM_032108.4(SEMA6B):c.24_32del (p.Pro9_Pro11del)

Gene: SEMA6B (semaphorin 6B; minus strand). Cytogenetic location: 19p13.3.
Variant type: Deletion.
Coding change: c.24_32del on transcript NM_032108.4 (MANE Select); coding-DNA positions 24 to 32, 9 bases deleted (TCCCCGCCC; older notation c.24_32delTCCCCGCCC).
Protein change: p.Pro9_Pro11del.
Genome position (GRCh38, 1-based): chr19:4,558,426-4,558,434, GGGCGGGGA deleted on the plus strand (TCCCCGCCC on the coding strand, the reverse complement: SEMA6B is on the minus strand); deleting any 9 consecutive bases within chr19:4,558,426-4,558,437 gives the same sequence; the c. name uses the placement nearest the transcript's 3' end. VCF-style (leftmost placement, unchanged base first): chr19-4558425-CGGGCGGGGA-C. GRCh37 (hg19) VCF-style: chr19-4558437-CGGGCGGGGA-C.
Identifiers: ClinVar variation 5029390 (VCV005029390.1).